The following is an entry in ClinVar:

NM_014391.3(ANKRD1):c.722G>A (p.Cys241Tyr)

Gene: ANKRD1 (ankyrin repeat domain 1; minus strand). Cytogenetic location: 10q23.31.
Variant type: single nucleotide variant.
Coding change: c.722G>A on transcript NM_014391.3 (MANE Select); coding-DNA position 722, G replaced by A.
Protein change: p.Cys241Tyr; replaces cysteine 241 with tyrosine.
Molecular consequence: missense variant.
Genome position (GRCh38, 1-based): chr10:90,915,810, C>T on the plus strand (G>A on the coding strand, the complement: ANKRD1 is on the minus strand). VCF-style: chr10-90915810-C-T. GRCh37 (hg19) VCF-style: chr10-92675567-C-T.
Other names: short protein forms C241Y.
Identifiers: ClinVar variation 1022397 (VCV001022397.9), dbSNP rs143802739, ClinGen allele CA5598639.
Genomic context (GRCh38, chr10:90,915,810, plus strand): 5'-TTTGGGAAACCCGAGCGTGTCCAGCTACTCACTCTGTCTTTGGCGTTGAGGTCTGCCTCA[C>T]AGGCGATAAGATGCTCCGCGCACTCATAGTGGCCAGTCCTCACCGCCACATGCAGCGCTG-3'
Protein context (NP_055206.2, residues 231-251): HYECAEHLIA[Cys241Tyr]EADLNAKDRE

ClinVar aggregate classification (germline): Uncertain significance. Review status: criteria provided, multiple submitters, no conflicts (2 of 4 stars). 3 submissions from 3 submitters: Uncertain significance (3). Last evaluated 2024-08-08.

Conditions:
Cardiovascular phenotype. Identifiers: MedGen CN230736.
ANKRD1-related dilated cardiomyopathy. Identifiers: MedGen CN119551.

Allele frequency attached by ClinVar (database versions not stated): gnomAD 0.00001; ExAC 0.00002; gnomAD exomes 0.00002 and 0.00003; TOPMed 0.00002.

Submissions (3):

Labcorp Genetics (formerly Invitae), Labcorp
Classification: Uncertain significance for ANKRD1-related dilated cardiomyopathy. Last evaluated: 2024-08-08. Review status: criteria provided, single submitter. Criteria: Invitae Variant Classification Sherloc (09022015). Collection method: clinical testing. Allele origin: germline.
Comment: This sequence change replaces cysteine, which is neutral and slightly polar, with tyrosine, which is neutral and polar, at codon 241 of the ANKRD1 protein (p.Cys241Tyr). This variant is present in population databases (rs143802739, gnomAD 0.004%). This variant has not been reported in the literature in individuals affected with ANKRD1-related conditions. ClinVar contains an entry for this variant (Variation ID: 1022397). Advanced modeling of protein sequence and biophysical properties (such as structural, functional, and spatial information, amino acid conservation, physicochemical variation, residue mobility, and thermodynamic stability) performed at Invitae indicates that this missense variant is not expected to disrupt ANKRD1 protein function with a negative predictive value of 80%. In summary, the available evidence is currently insufficient to determine the role of this variant in disease. Therefore, it has been classified as a Variant of Uncertain Significance.

GeneDx
Classification: Uncertain significance. Last evaluated: 2023-12-06. Review status: criteria provided, single submitter. Criteria: GeneDx Variant Classification Process June 2021. Collection method: clinical testing. Allele origin: germline. Affected: yes.
Comment: Identified in a patient with exertion-related sudden unexplained death in the young (SUDY) (PMID: 27114410); Not observed at significant frequency in large population cohorts (gnomAD); In silico analysis supports that this missense variant has a deleterious effect on protein structure/function; This variant is associated with the following publications: (PMID: 27114410)

Ambry Genetics
Classification: Uncertain significance for Cardiovascular phenotype. Last evaluated: 2023-10-12. Review status: criteria provided, single submitter. Criteria: Ambry Variant Classification Scheme 2023. Collection method: clinical testing. Allele origin: germline.
Comment: The p.C241Y variant (also known as c.722G>A), located in coding exon 7 of the ANKRD1 gene, results from a G to A substitution at nucleotide position 722. The cysteine at codon 241 is replaced by tyrosine, an amino acid with highly dissimilar properties. This variant was reported in a sudden unexplained death case with no known history of cardiac conditions (Anderson JH et al. Circ Cardiovasc Genet, 2016 Jun;9:259-65). This amino acid position is highly conserved in available vertebrate species. In addition, this alteration is predicted to be deleterious by in silico analysis. Since supporting evidence is limited at this time, the clinical significance of this alteration remains unclear.

Literature cited by the submitters: PubMed 27114410 (cited by Ambry Genetics).